The following is an entry in ClinVar:

ClinVar aggregate classification (germline): Benign. Review status: criteria provided, multiple submitters, no conflicts (2 of 4 stars). 4 submissions from 4 submitters: Benign (3). 1 of the submissions does not count toward it. Last evaluated 2025-04-09.

Conditions:
NRAP-related disorder. Also called: NRAP-related condition.

Allele frequency attached by ClinVar (database versions not stated): gnomAD exomes 0.12881 and 0.15039; ExAC 0.15427; gnomAD 0.17952 and 0.18234; TOPMed 0.18471; ESP Exome Variant Server 0.18807; 1000 Genomes Project 0.19209; 1000 Genomes Project 30x 0.19519.
gnomAD v4.1: 216,683 of 1,611,454 alleles (13%); highest among the groups gnomAD compares: African/African-American, 30%; 16,538 homozygotes.

Submissions (4):

Molecular Diagnostic Laboratory for Inherited Cardiovascular Disease, Montreal Heart Institute
Classification: Benign. Last evaluated: 2025-04-09. Review status: criteria provided, single submitter. Criteria: ACMG Guidelines, 2015. Collection method: clinical testing. Allele origin: germline. Affected: no.

GeneDx
Classification: Benign. Last evaluated: 2021-05-05. Review status: criteria provided, single submitter. Criteria: GeneDx Variant Classification Process June 2021. Collection method: clinical testing. Allele origin: germline. Affected: yes.

Breakthrough Genomics
Classification: Benign. Review status: criteria provided, single submitter. Criteria: ACMG Guidelines, 2015. Collection method: not provided. Allele origin: germline. Inheritance: Unknown mechanism. Affected: yes.

PreventionGenetics, part of Exact Sciences
Classification: Benign for NRAP-related condition. Last evaluated: 2019-11-08. Review status: no assertion criteria provided. Collection method: clinical testing. Allele origin: germline. Not counted in ClinVar's aggregate classification.
Comment: This variant is classified as benign based on ACMG/AMP sequence variant interpretation guidelines (Richards et al. 2015 PMID: 25741868, with internal and published modifications).

NM_198060.4(NRAP):c.1450G>A (p.Asp484Asn)

Gene: NRAP (nebulin related anchoring protein; minus strand). Cytogenetic location: 10q25.3.
Variant type: single nucleotide variant.
Coding change: c.1450G>A on transcript NM_198060.4 (MANE Select); coding-DNA position 1450, G replaced by A.
Protein change: p.Asp484Asn; replaces aspartic acid 484 with asparagine.
Molecular consequence: missense variant.
Genome position (GRCh38, 1-based): chr10:113,634,189, C>T on the plus strand (G>A on the coding strand, the complement: NRAP is on the minus strand). VCF-style: chr10-113634189-C-T. GRCh37 (hg19) VCF-style: chr10-115393948-C-T.
Other names: c.1450G>A, p.Asp484Asn (NM_001261463.2, NM_001322945.2); c.1345G>A, p.Asp449Asn (NM_006175.5); short protein forms D449N, D484N.
Identifiers: ClinVar variation 1288561 (VCV001288561.5), dbSNP rs11196400, ClinGen allele CA5695526.
Genomic context (GRCh38, chr10:113,634,189, plus strand): 5'-CATTGATTTTGGCTTGAACAATCTGTGGGGTGTCAGTCACCGAGCTGTACTTCAACTTGT[C>T]GATGCTCTGCCTATAATTGGCCTAGGTAAAAACAGGCACAAAAAGATGTCATTTGCTCTT-3'
Protein context (NP_932326.2, residues 474-494): LKDANYRQSI[Asp484Asn]KLKYSSVTDT